The following is an entry in ClinVar:

ClinVar aggregate classification (germline): Pathogenic (1 of 4 stars; one submission).

Submission:

Labcorp Genetics (formerly Invitae), Labcorp
Classification: Pathogenic. Last evaluated: 2025-02-20. Review status: criteria provided, single submitter. Criteria: Invitae Variant Classification Sherloc (09022015). Collection method: clinical testing. Allele origin: germline.
Comment: This sequence change creates a premature translational stop signal (p.Leu508Argfs*56) in the FERMT1 gene. It is expected to result in an absent or disrupted protein product. Loss-of-function variants in FERMT1 are known to be pathogenic (PMID: 14962093, 21936020). This variant is not present in population databases (gnomAD no frequency). This variant has not been reported in the literature in individuals affected with FERMT1-related conditions. For these reasons, this variant has been classified as Pathogenic.

Literature cited by the submitters: PubMed 14962093; PubMed 21936020.

NM_017671.5(FERMT1):c.1518_1519del (p.Leu508fs)

Gene: FERMT1 (FERM domain containing kindlin 1; minus strand). Cytogenetic location: 20p12.3.
Variant type: Deletion.
Coding change: c.1518_1519del on transcript NM_017671.5 (MANE Select); coding-DNA positions 1518 to 1519, 2 bases deleted (CA; older notation c.1518_1519delCA).
Protein change: p.Leu508fs; shifts the reading frame from leucine 508.
Molecular consequence: frameshift variant.
Genome position (GRCh38, 1-based): chr20:6,085,140-6,085,141, TG deleted on the plus strand (CA on the coding strand, the reverse complement: FERMT1 is on the minus strand). VCF-style (leftmost placement, unchanged base first): chr20-6085139-CTG-C. GRCh37 (hg19) VCF-style: chr20-6065786-CTG-C.
Other names: short protein forms L508fs.
Identifiers: ClinVar variation 4712845 (VCV004712845.1).